The following is an entry in ClinVar:

NM_015836.4(WARS2):c.76G>A (p.Ala26Thr)

Genes: WARS2 (tryptophanyl tRNA synthetase 2, mitochondrial; minus strand), WARS2-AS1 (WARS2 antisense RNA 1; plus strand), LOC129931299 (ATAC-STARR-seq lymphoblastoid active region 1590; plus strand). Cytogenetic location: 1p12.
Variant type: single nucleotide variant.
Coding change: c.76G>A on transcript NM_015836.4 (MANE Select); coding-DNA position 76, G replaced by A.
Protein change: p.Ala26Thr; replaces alanine 26 with threonine.
Molecular consequence: missense variant. On other transcripts: non-coding transcript variant (4), 5 prime UTR variant (3).
Genome position (GRCh38, 1-based): chr1:119,140,569, C>T on the plus strand (G>A on the coding strand, the complement: WARS2 is on the minus strand). VCF-style: chr1-119140569-C-T. GRCh37 (hg19) VCF-style: chr1-119683192-C-T.
Other names: c.-79G>A (NM_001378226.1); c.-270G>A (NM_001378227.1); c.76G>A, p.Ala26Thr (NM_001378228.1, NM_001378229.1, NM_001378231.1 and 1 more transcripts); c.-398G>A (NM_001378230.1); short protein forms A26T.
Identifiers: ClinVar variation 4713401 (VCV004713401.1).

ClinVar aggregate classification (germline): Uncertain significance (1 of 4 stars; one submission).

Submission:

Labcorp Genetics (formerly Invitae), Labcorp
Classification: Uncertain significance. Last evaluated: 2025-02-27. Review status: criteria provided, single submitter. Criteria: Invitae Variant Classification Sherloc (09022015). Collection method: clinical testing. Allele origin: germline.
Comment: This sequence change replaces alanine, which is neutral and non-polar, with threonine, which is neutral and polar, at codon 26 of the WARS2 protein (p.Ala26Thr). This variant is not present in population databases (gnomAD no frequency). This variant has not been reported in the literature in individuals affected with WARS2-related conditions. An algorithm developed to predict the effect of missense changes on protein structure and function outputs the following: PolyPhen-2: "Benign". The threonine amino acid residue is found in multiple mammalian species, which suggests that this missense change does not adversely affect protein function. In summary, the available evidence is currently insufficient to determine the role of this variant in disease. Therefore, it has been classified as a Variant of Uncertain Significance.